The following is an entry in ClinVar:

NM_004360.5(CDH1):c.1138-22G>T

Gene: CDH1 (cadherin 1; plus strand). Cytogenetic location: 16q22.1.
Variant type: single nucleotide variant.
Coding change: c.1138-22G>T on transcript NM_004360.5 (MANE Select); 22 bases into the intron before coding-DNA position 1138, G replaced by T.
Molecular consequence: intron variant.
Genome position (GRCh38, 1-based): chr16:68,813,291, G>T. VCF-style: chr16-68813291-G-T. GRCh37 (hg19) VCF-style: chr16-68847194-G-T.
Other names: c.-478-22G>T (NM_001317185.2); c.-682-22G>T (NM_001317186.2); c.1137+1028G>T (NM_001317184.2).
Identifiers: ClinVar variation 2502942 (VCV002502942.1), dbSNP rs1401132622, ClinGen allele CA623574717.
Genomic context (GRCh38, chr16:68,813,291, plus strand): 5'-AGAGGAATCCTTTAGCCCCCTGAGACTCAGCTCTGCTAGCAGTCTTGGTACTTTGTAAAT[G>T]ACACATCTCTTTGCTCTGCAGTACAAGGGTCAGGTGCCTGAGAACGAGGCTAACGTCGTA-3'

ClinVar aggregate classification (germline): Uncertain significance (1 of 4 stars; one submission).

Conditions:
Hereditary diffuse gastric adenocarcinoma (HDGC). Also called: DIFFUSE GASTRIC AND LOBULAR BREAST CANCER SYNDROME. Identifiers: Orphanet 26106, MedGen C1708349, MONDO:0007648, OMIM 137215.

Allele frequency attached by ClinVar (database versions not stated): gnomAD exomes below 0.00001.
gnomAD v4.1: 5 of 1,613,216 alleles (0.00031%); highest among the groups gnomAD compares: South Asian, 0.0022%; no homozygotes.

Submission:

European Reference Network on Genetic Tumour Risk Syndromes (ERN-GENTURIS), i3s - Instituto de Investigação e Inovação em Saúde, University of Porto
Classification: Uncertain significance for Hereditary diffuse gastric adenocarcinoma. Last evaluated: 2022-08-01. Review status: criteria provided, single submitter. Criteria: Lee et al. (Hum Mutat. 2018). Collection method: clinical testing. Allele origin: germline. Inheritance: Autosomal dominant inheritance. Affected: no. Study: ERN GENTURIS.
Comment: PM2 (PMID: 30311375)

Literature cited by the submitters: PubMed 36436516.